The following is an entry in ClinVar:

NM_001430.5(EPAS1):c.1098C>A (p.His366Gln)

Gene: EPAS1 (endothelial PAS domain protein 1; plus strand). Cytogenetic location: 2p21.
Variant type: single nucleotide variant.
Coding change: c.1098C>A on transcript NM_001430.5 (MANE Select); coding-DNA position 1098, C replaced by A.
Protein change: p.His366Gln; replaces histidine 366 with glutamine.
Molecular consequence: missense variant.
Genome position (GRCh38, 1-based): chr2:46,376,602, C>A. VCF-style: chr2-46376602-C-A. GRCh37 (hg19) VCF-style: chr2-46603741-C-A.
Other names: short protein forms H366Q.
Identifiers: ClinVar variation 3221522 (VCV003221522.1), dbSNP rs1489671438, ClinGen allele CA346703176.

ClinVar aggregate classification (germline): Uncertain significance (1 of 4 stars; one submission).

Conditions:
Inborn genetic diseases. Identifiers: MedGen C0950123, MeSH D030342.

Submission:

Ambry Genetics
Classification: Uncertain significance for Inborn genetic diseases. Last evaluated: 2023-10-21. Review status: criteria provided, single submitter. Criteria: Ambry Variant Classification Scheme 2023. Collection method: clinical testing. Allele origin: germline.
Comment: The p.H366Q variant (also known as c.1098C>A), located in coding exon 9 of the EPAS1 gene, results from a C to A substitution at nucleotide position 1098. The histidine at codon 366 is replaced by glutamine, an amino acid with highly similar properties. This amino acid position is conserved. In addition, this alteration is predicted to be tolerated by in silico analysis. Since supporting evidence is limited at this time, the clinical significance of this alteration remains unclear.